The following is an entry in ClinVar:

ClinVar aggregate classification (germline): Pathogenic/Likely pathogenic. Review status: criteria provided, multiple submitters, no conflicts (2 of 4 stars). 13 submissions from 13 submitters: Pathogenic (7); Likely pathogenic (4). 2 of the submissions do not count toward it. Last evaluated 2026-09-01.
ClinVar aggregate classification (oncogenicity): Oncogenic. Review status: criteria provided, multiple submitters, no conflicts (2 of 4 stars). 2 submissions from 2 submitters. Last evaluated 2026-10-16.

Conditions:
IDH2-related mitochondrial disease.
Inborn genetic diseases. Identifiers: MedGen C0950123, MeSH D030342.
D-2-hydroxyglutaric aciduria 2 (D2HGA2). Identifiers: Orphanet 79315, MedGen C3150909, MONDO:0013345, OMIM 613657.
Neoplasm. Also called: Neoplasms; Neoplasm (disease); tumor. Identifiers: MedGen C0027651, MeSH D009369, MONDO:0005070, HP:0002664.
Acute myeloid leukemia (AML). Also called: Acute myeloid leukemia, adult; AML adult; Acute non-lymphocytic leukemia; Acute granulocytic leukemia; Leukemia, acute myeloid, somatic; Leukemia, acute myelogenous, somatic. Identifiers: Orphanet 519, MedGen C0023467, MeSH D015470, MONDO:0018874, OMIM 601626, HP:0004808. Disease mechanism: Constitutively activated FLT3.

Allele frequency attached by ClinVar (database versions not stated): gnomAD 0.00006 and 0.00007; ExAC 0.00010; gnomAD exomes 0.00004 and 0.00003.

Submissions 1 to 9 of 15:

Center for Genomic Medicine, Rigshospitalet, Copenhagen University Hospital
Classification: Oncogenic for Neoplasm. Last evaluated: 2026-10-16. Review status: criteria provided, single submitter. Criteria: ClinGen/CGC/VICC Guidelines for Oncogenicity, 2022. Collection method: clinical testing. Allele origin: somatic. Affected: yes.

Center for Virology of Infectious and Tropical Diseases (CVMIT), Mohammed V Military Teaching Hospital
Classification: Oncogenic for Acute myeloid leukemia. Last evaluated: 2026-10-16. Review status: criteria provided, single submitter. Criteria: ClinGen/CGC/VICC Guidelines for Oncogenicity, 2022. Collection method: research. Allele origin: somatic. Affected: yes. Observed: 2 variant alleles.
Comment: IDH2 p.Arg140Gln. Identified by targeted NGS (Ion Torrent) in 2 patient(s) with AML from Morocco; variant allele fraction: 46.8%; 46.8%. Oncogenicity classified with the ClinGen/CGC/VICC SOP (Horak et al. 2022, PMID:35101336). Criteria applied: OS2: IDH2 R140Q confers neomorphic production of 2-hydroxyglutarate (PMID:20171147); OS3: IDH2 R140 hotspot, highly recurrent in AML (tumour-type data used per SOP caveat; PMID:20567020); concordant in silico predictions (CADD 32, AlphaMissense likely pathogenic 0.987, SIFT deleterious, PolyPhen probably damaging) (OP1); present in gnomAD v4 only at very low allele frequency (AF 4.4e-5), compatible with clonal hematopoiesis in controls (OP4). Therapeutic relevance: enasidenib (PMID:28588020). Total 10 points (Oncogenic). ClinVar at analysis (release 2022-07-09, used by Ion Reporter): Variation ID 14716, Pathogenic/Likely pathogenic. Current record: ClinVar VCV000014716.48 (consulted 2026-10-29): germline classification Pathogenic/Likely pathogenic; somatic oncogenicity Oncogenic.

CeGaT Center for Human Genetics Tuebingen
Classification: Pathogenic. Last evaluated: 2026-09-01. Review status: criteria provided, single submitter. Criteria: CeGaT Center For Human Genetics Tuebingen Variant Classification Criteria Version 2. Collection method: clinical testing. Allele origin: germline. Affected: yes. Observed: 2 variant alleles.
Comment: IDH2: PS4, PM1, PM5, PM6, PP3, PS3:Supporting

Institute of Human Genetics, Heidelberg University
Classification: Likely pathogenic for D-2-hydroxyglutaric aciduria 2. Last evaluated: 2026-03-20. Review status: criteria provided, single submitter. Criteria: ACMG Guidelines, 2015. Collection method: clinical testing. Allele origin: unknown. Affected: yes. Observed: 1 variant allele.
Comment: PS3_supp, PS4_supp, PM5, PP3_mod

Center for Genomic Medicine, Rigshospitalet, Copenhagen University Hospital
Classification: Likely pathogenic. Last evaluated: 2025-12-29. Review status: criteria provided, single submitter. Criteria: ACMG Guidelines, 2015. Collection method: clinical testing. Allele origin: germline.

Rady Children's Institute for Genomic Medicine, Rady Children's Hospital San Diego
Classification: Likely pathogenic for IDH2-related mitochondrial disease. Last evaluated: 2025-11-07. Review status: criteria provided, single submitter. Criteria: ACMG Guidelines, 2015. Collection method: clinical testing. Allele origin: germline. Affected: yes.
Comment: The c.419G>A (p.Arg140Gln) variant affects a highly conserved amino acid and is predicted by multiple in silico tools to have a deleterious effect on protein function. This variant has been previously reported as a heterozygous and mosaic change in patients with IDH2-related mitochondrial disease and acute myeloid leukemia (PMID: 21889589, 24049096, 34641967, 23949315). A different amino acid change at the same residue (p.Arg140Gly) has been previously reported in an individual with IDH2-related mitochondrial disease (PMID: 21889589). Functional studies have confirmed this variant leads to the disruption of the IDH2 protein function (PMID: 21889589, 24589777). The c.419G>A (p.Arg140Gln) variant is present in the latest version of the gnomAD population database at an allele frequency of 0.004% (71/1613752). However, this gene may be prone to somatic variation (PMID: 20847235, 24049096, 23558173, 19228619, 34641967, 22391998, 22057234) and it is not known if the variants observed in the latest version of the gnomAD database represent germline or somatic events. Based on the available evidence, c.419G>A (p.Arg140Gln) is classified as Likely Pathogenic.

Labcorp Genetics (formerly Invitae), Labcorp
Classification: Pathogenic for D-2-hydroxyglutaric aciduria 2. Last evaluated: 2024-06-19. Review status: criteria provided, single submitter. Criteria: Invitae Variant Classification Sherloc (09022015). Collection method: clinical testing. Allele origin: germline.
Comment: This sequence change replaces arginine, which is basic and polar, with glutamine, which is neutral and polar, at codon 140 of the IDH2 protein (p.Arg140Gln). The frequency data for this variant in the population databases is considered unreliable, as metrics indicate poor data quality at this position in the gnomAD database. This missense change has been observed in individual(s) with D-2-hydroxyglutaric aciduria (PMID: 20847235). In at least one individual the variant was observed to be de novo. ClinVar contains an entry for this variant (Variation ID: 14716). Advanced modeling of protein sequence and biophysical properties (such as structural, functional, and spatial information, amino acid conservation, physicochemical variation, residue mobility, and thermodynamic stability) performed at Invitae indicates that this missense variant is expected to disrupt IDH2 protein function with a positive predictive value of 80%. Experimental studies have shown that this missense change affects IDH2 function (PMID: 25398939). For these reasons, this variant has been classified as Pathogenic.

Ambry Genetics
Classification: Pathogenic for Inborn genetic diseases. Last evaluated: 2022-12-30. Review status: criteria provided, single submitter. Criteria: Ambry Variant Classification Scheme 2023. Collection method: clinical testing. Allele origin: germline.
Comment: The c.419G>A (p.R140Q) alteration is located in exon 4 (coding exon 4) of the IDH2 gene. This alteration results from a G to A substitution at nucleotide position 419, causing the arginine (R) at amino acid position 140 to be replaced by a glutamine (Q). Based on data from gnomAD, the A allele has an overall frequency of 0.003% (9/282846) total alleles studied. The highest observed frequency was 0.010% (2/19944) of East Asian alleles. This alteration has been detected in multiple individuals with D-2-hydroxyglutaric aciduria type 2, including multiple cases of reported de novo occurrence. Additionally, somatic mosaicism for this alteration has been reported in an affected individual as well as an unaffected individual (Kranendijk, 2010; Nota, 2013). Another alteration at the same codon, c.418C>G (p.R140G), has been detected in an individual with D-2-hydroxyglutaric aciduria type 2 (Kranendijk, 2010). This amino acid position is highly conserved in available vertebrate species. An enzyme assay demonstrated that the mean reaction rate in D-2-HGA type II lymphoblasts with this alteration was 8-fold higher than that of controls and D2-HGA type I cells, with a corresponding 140-fold increase in intracellular D-2-hydroxyglutarate (D-2-HG) level (Kranendijk, 2011). This alteration is predicted to be deleterious by in silico analysis. Based on the available evidence, this alteration is classified as pathogenic.

GeneDx
Classification: Pathogenic. Last evaluated: 2022-04-19. Review status: criteria provided, single submitter. Criteria: GeneDx Variant Classification Process June 2021. Collection method: clinical testing. Allele origin: germline. Affected: yes.
Comment: An enzyme assay which determines IDH2 activity in lymphoblast extracts confirmed that R140Q results in gain of function in D-2 hydroxyglutaric aciduria type 2 (Kranendijk et al., 2011); In silico analysis, which includes protein predictors and evolutionary conservation, supports a deleterious effect; This variant is associated with the following publications: (PMID: 20171147, 34641967, 21889589, 20847235, 24049096, 23558173)

NM_002168.4(IDH2):c.419G>A (p.Arg140Gln)

Gene: IDH2 (isocitrate dehydrogenase (NADP(+)) 2; minus strand). Cytogenetic location: 15q26.1.
Variant type: single nucleotide variant.
Coding change: c.419G>A on transcript NM_002168.4 (MANE Select); coding-DNA position 419, G replaced by A.
Protein change: p.Arg140Gln; replaces arginine 140 with glutamine.
Molecular consequence: missense variant.
Genome position (GRCh38, 1-based): chr15:90,088,702, C>T on the plus strand (G>A on the coding strand, the complement: IDH2 is on the minus strand). VCF-style: chr15-90088702-C-T. GRCh37 (hg19) VCF-style: chr15-90631934-C-T.
Other names: c.263G>A, p.Arg88Gln (NM_001289910.1); c.29G>A, p.Arg10Gln (NM_001290114.2); short protein forms R140Q, R88Q, R10Q.
Identifiers: ClinVar variation 14716 (VCV000014716.50), dbSNP rs121913502, ClinGen allele CA124277.